The following is an entry in ClinVar:

ClinVar aggregate classification (germline): Likely benign. Review status: criteria provided, multiple submitters, no conflicts (2 of 4 stars). 3 submissions from 3 submitters: Likely benign (3). Last evaluated 2025-03-04.

Allele frequency attached by ClinVar (database versions not stated): gnomAD exomes 0.00127; ExAC 0.00140; TOPMed 0.00358; 1000 Genomes Project 0.00359; ESP Exome Variant Server 0.00361; 1000 Genomes Project 30x 0.00375.
gnomAD v4.1: 1,950 of 1,591,912 alleles (0.12%); highest among the groups gnomAD compares: African/African-American, 1.1%; 2 homozygotes.

Submissions (3):

Center for Genomic Medicine, Rigshospitalet, Copenhagen University Hospital
Classification: Likely benign. Last evaluated: 2025-03-04. Review status: criteria provided, single submitter. Criteria: ACMG Guidelines, 2015. Collection method: clinical testing. Allele origin: germline.

GeneDx
Classification: Likely benign. Last evaluated: 2018-06-18. Review status: criteria provided, single submitter. Criteria: GeneDx Variant Classification (06012015). Collection method: clinical testing. Allele origin: germline. Affected: yes.
Comment: This variant is considered likely benign or benign based on one or more of the following criteria: it is a conservative change, it occurs at a poorly conserved position in the protein, it is predicted to be benign by multiple in silico algorithms, and/or has population frequency not consistent with disease.

Breakthrough Genomics
Classification: Likely benign. Review status: criteria provided, single submitter. Criteria: ACMG Guidelines, 2015. Collection method: not provided. Allele origin: germline. Inheritance: Autosomal dominant inheritance. Affected: yes.

NM_002691.4(POLD1):c.590-40C>T

Gene: POLD1 (DNA polymerase delta 1, catalytic subunit; plus strand). Cytogenetic location: 19q13.33.
Variant type: single nucleotide variant.
Coding change: c.590-40C>T on transcript NM_002691.4 (MANE Select); 40 bases into the intron before coding-DNA position 590, C replaced by T.
Molecular consequence: intron variant.
Genome position (GRCh38, 1-based): chr19:50,402,165, C>T. VCF-style: chr19-50402165-C-T. GRCh37 (hg19) VCF-style: chr19-50905422-C-T.
Other names: c.590-40C>T (NM_001256849.1, NM_001308632.1); c.589+41C>T (NM_002691.4).
Identifiers: ClinVar variation 676555 (VCV000676555.9), dbSNP rs8105475, ClinGen allele CA9595812.